The following is an entry in ClinVar:

ClinVar aggregate classification (germline): Uncertain significance (1 of 4 stars; one submission).

Allele frequency attached by ClinVar (database versions not stated): gnomAD exomes below 0.00001.
gnomAD v4.1: 1 of 1,613,800 alleles (0.000062%); highest among the groups gnomAD compares: Middle Eastern, 0.017%; no homozygotes.

Submission:

Labcorp Genetics (formerly Invitae), Labcorp
Classification: Uncertain significance. Last evaluated: 2024-01-15. Review status: criteria provided, single submitter. Criteria: Invitae Variant Classification Sherloc (09022015). Collection method: clinical testing. Allele origin: germline.
Comment: This sequence change replaces isoleucine, which is neutral and non-polar, with threonine, which is neutral and polar, at codon 157 of the GUCA1A protein (p.Ile157Thr). This variant is not present in population databases (gnomAD no frequency). This variant has not been reported in the literature in individuals affected with GUCA1A-related conditions. ClinVar contains an entry for this variant (Variation ID: 2058590). An algorithm developed to predict the effect of missense changes on protein structure and function (PolyPhen-2) suggests that this variant is likely to be tolerated. In summary, the available evidence is currently insufficient to determine the role of this variant in disease. Therefore, it has been classified as a Variant of Uncertain Significance.

NM_001384910.1(GUCA1A):c.470T>C (p.Ile157Thr)

Genes: GUCA1A (guanylate cyclase activator 1A; plus strand), GUCA1ANB-GUCA1A (GUCA1ANB-GUCA1A readthrough; plus strand). Cytogenetic location: 6p21.1.
Variant type: single nucleotide variant.
Coding change: c.470T>C on transcript NM_001384910.1 (MANE Select); coding-DNA position 470, T replaced by C.
Protein change: p.Ile157Thr; replaces isoleucine 157 with threonine.
Molecular consequence: missense variant.
Genome position (GRCh38, 1-based): chr6:42,179,267, T>C. VCF-style: chr6-42179267-T-C. GRCh37 (hg19) VCF-style: chr6-42147005-T-C.
Other names: c.470T>C, p.Ile157Thr (NM_000409.5, NM_001319061.2, NM_001319062.2); short protein forms I157T.
Identifiers: ClinVar variation 2058590 (VCV002058590.4), dbSNP rs2546719818, ClinGen allele CA364110203.